The following is an entry in ClinVar:

NM_000821.7(GGCX):c.1485C>T (p.Pro495=)

Gene: GGCX (gamma-glutamyl carboxylase; minus strand). Cytogenetic location: 2p11.2.
Variant type: single nucleotide variant.
Coding change: c.1485C>T on transcript NM_000821.7 (MANE Select); coding-DNA position 1485, C replaced by T.
Protein change: p.Pro495=; no amino-acid change (proline 495 retained).
Molecular consequence: synonymous variant.
Genome position (GRCh38, 1-based): chr2:85,551,936, G>A on the plus strand (C>T on the coding strand, the complement: GGCX is on the minus strand). VCF-style: chr2-85551936-G-A. GRCh37 (hg19) VCF-style: chr2-85779059-G-A.
Other names: c.1314C>T, p.Pro438= (NM_001142269.4); c.1485C>T (NM_000821.6).
Identifiers: ClinVar variation 895041 (VCV000895041.7), dbSNP rs1691972995, ClinGen allele CA427440113.

ClinVar aggregate classification (germline): Conflicting classifications of pathogenicity. Review status: criteria provided, conflicting classifications (1 of 4 stars). 3 submissions from 3 submitters: Uncertain significance (1); Likely benign (2). Last evaluated 2026-06-30.

Conditions:
GGCX-related disorder. Also called: GGCX-related condition; GGCX - Related Disorders.
Vitamin K-dependent clotting factors, combined deficiency of, type 1. Also called: FACTORS II, VII, IX, AND X, COMBINED DEFICIENCY OF; FAMILIAL MULTIPLE COAGULATION FACTOR DEFICIENCY III; FMFD III; GLUTAMIC ACID, DEFICIENT GAMMA-CARBOXYLATION OF; MULTIPLE COAGULATION FACTOR DEFICIENCY III; VITAMIN K-DEPENDENT COAGULATION DEFECT. Identifiers: Orphanet 98434, MedGen C1848534, MONDO:0010187, OMIM 277450.

Submissions (3):

PreventionGenetics, part of Exact Sciences
Classification: Likely benign for GGCX-related condition. Last evaluated: 2026-06-30. Review status: criteria provided, single submitter. Criteria: ACMG Guidelines, 2015. Collection method: clinical testing. Allele origin: germline.
Comment: This variant is classified as likely benign based on ACMG/AMP sequence variant interpretation guidelines (Richards et al. 2015 PMID: 25741868, with internal and published modifications).

Labcorp Genetics (formerly Invitae), Labcorp
Classification: Likely benign. Last evaluated: 2024-08-05. Review status: criteria provided, single submitter. Criteria: Invitae Variant Classification Sherloc (09022015). Collection method: clinical testing. Allele origin: germline.

Illumina Laboratory Services, Illumina
Classification: Uncertain significance for Vitamin K-dependent clotting factors, combined deficiency of, type 1. Last evaluated: 2018-01-13. Review status: criteria provided, single submitter. Criteria: ICSL Variant Classification Criteria 13 December 2019. Collection method: clinical testing. Allele origin: germline.